The following is an entry in ClinVar:

NM_001035.3(RYR2):c.4328T>C (p.Val1443Ala)

Gene: RYR2 (ryanodine receptor 2; plus strand). Cytogenetic location: 1q43.
Variant type: single nucleotide variant.
Coding change: c.4328T>C on transcript NM_001035.3 (MANE Select); coding-DNA position 4328, T replaced by C.
Protein change: p.Val1443Ala; replaces valine 1443 with alanine.
Molecular consequence: missense variant.
Genome position (GRCh38, 1-based): chr1:237,593,528, T>C. VCF-style: chr1-237593528-T-C. GRCh37 (hg19) VCF-style: chr1-237756828-T-C.
Other names: short protein forms V1443A.
Identifiers: ClinVar variation 3385722 (VCV003385722.1).
Genomic context (GRCh38, chr1:237,593,528, plus strand): 5'-CTTCACAGTACTATTACTCAGTGAGAATCTTTCCTGGACAAGAACCTGCTAATGTCTGGG[T>C]GGGCTGGATTACATCAGATTTCCATCAGTATGACACAGGCTTTGACTTGGACAGAGTTCG-3'
Protein context (NP_001026.2, residues 1433-1453): FPGQEPANVW[Val1443Ala]GWITSDFHQY

ClinVar aggregate classification (germline): Uncertain significance (1 of 4 stars; one submission).

Conditions:
Catecholaminergic polymorphic ventricular tachycardia (CVPT). Also called: Catecholamine-induced polymorphic ventricular tachycardia. Identifiers: Orphanet 3286, MedGen C5574922, MONDO:0017990.

Submission:

All of Us Research Program, National Institutes of Health
Classification: Uncertain significance for Catecholaminergic polymorphic ventricular tachycardia. Last evaluated: 2024-09-23. Review status: criteria provided, single submitter. Criteria: ACMG Guidelines, 2015. Collection method: clinical testing. Allele origin: germline. Inheritance: Autosomal dominant inheritance. Observed: 1 variant allele, 1 heterozygote.
Comment: This study involves interpretation of variants in research participants for the purpose of population health screening. Participant phenotype was not available at the time of variant classification. Additional details can be found in publication PMID: 35346344, PMCID: PMC8962531